The following is an entry in ClinVar:

NM_015425.6(POLR1A):c.4908C>T (p.Val1636=)

Gene: POLR1A (RNA polymerase I subunit A; minus strand). Cytogenetic location: 2p11.2.
Variant type: single nucleotide variant.
Coding change: c.4908C>T on transcript NM_015425.6 (MANE Select); coding-DNA position 4908, C replaced by T.
Protein change: p.Val1636=; no amino-acid change (valine 1636 retained).
Molecular consequence: synonymous variant.
Genome position (GRCh38, 1-based): chr2:86,028,039, G>A on the plus strand (C>T on the coding strand, the complement: POLR1A is on the minus strand). VCF-style: chr2-86028039-G-A. GRCh37 (hg19) VCF-style: chr2-86255162-G-A.
Identifiers: ClinVar variation 1571564 (VCV001571564.13), dbSNP rs138896884, ClinGen allele CA1745323.

ClinVar aggregate classification (germline): Likely benign. Review status: criteria provided, multiple submitters, no conflicts (2 of 4 stars). 2 submissions from 2 submitters: Likely benign (2). Last evaluated 2026-03-01.

Allele frequency attached by ClinVar (database versions not stated): gnomAD exomes 0.00009; ExAC 0.00012; 1000 Genomes Project 0.00020; TOPMed 0.00028; gnomAD 0.00029; ESP Exome Variant Server 0.00032; 1000 Genomes Project 30x 0.00078.

Submissions (2):

CeGaT Center for Human Genetics Tuebingen
Classification: Likely benign. Last evaluated: 2026-03-01. Review status: criteria provided, single submitter. Criteria: CeGaT Center For Human Genetics Tuebingen Variant Classification Criteria Version 2. Collection method: clinical testing. Allele origin: germline. Affected: yes. Observed: 1 variant allele.
Comment: POLR1A: BP4, BP7

Labcorp Genetics (formerly Invitae), Labcorp
Classification: Likely benign. Last evaluated: 2024-11-14. Review status: criteria provided, single submitter. Criteria: Invitae Variant Classification Sherloc (09022015). Collection method: clinical testing. Allele origin: germline.